The following is an entry in ClinVar:

NM_006231.4(POLE):c.1138G>C (p.Gly380Arg)

Gene: POLE (DNA polymerase epsilon, catalytic subunit; minus strand). Cytogenetic location: 12q24.33.
Variant type: single nucleotide variant.
Coding change: c.1138G>C on transcript NM_006231.4 (MANE Select); coding-DNA position 1138, G replaced by C.
Protein change: p.Gly380Arg; replaces glycine 380 with arginine.
Molecular consequence: missense variant.
Genome position (GRCh38, 1-based): chr12:132,675,486, C>G on the plus strand (G>C on the coding strand, the complement: POLE is on the minus strand). VCF-style: chr12-132675486-C-G. GRCh37 (hg19) VCF-style: chr12-133252072-C-G.
Other names: short protein forms G380R.
Identifiers: ClinVar variation 473438 (VCV000473438.17), dbSNP rs199746481, ClinGen allele CA6894061.

ClinVar aggregate classification (germline): Uncertain significance. Review status: criteria provided, multiple submitters, no conflicts (2 of 4 stars). 3 submissions from 3 submitters: Uncertain significance (3). Last evaluated 2026-01-09.

Conditions:
Hereditary cancer-predisposing syndrome. Also called: Neoplastic Syndromes, Hereditary; Tumor predisposition; Hereditary neoplastic syndrome; Hereditary Cancer Syndrome. Identifiers: Orphanet 140162, MedGen C0027672, MeSH D009386, MONDO:0015356.

gnomAD v4.1: 6 of 1,614,106 alleles (0.00037%); highest among the groups gnomAD compares: Non-Finnish European, 0.00051%; no homozygotes.

Submissions (3):

Ambry Genetics
Classification: Uncertain significance for Hereditary cancer-predisposing syndrome. Last evaluated: 2026-01-09. Review status: criteria provided, single submitter. Criteria: Ambry Variant Classification Scheme 2023. Collection method: clinical testing. Allele origin: germline.
Comment: The p.G380R variant (also known as c.1138G>C), located in coding exon 12 of the POLE gene, results from a G to C substitution at nucleotide position 1138. The glycine at codon 380 is replaced by arginine, an amino acid with dissimilar properties. This amino acid position is highly conserved in available vertebrate species. In addition, the in silico prediction for this alteration is inconclusive. Based on the available evidence, the clinical significance of this variant remains unclear.

Labcorp Genetics (formerly Invitae), Labcorp
Classification: Uncertain significance. Last evaluated: 2024-07-01. Review status: criteria provided, single submitter. Criteria: Invitae Variant Classification Sherloc (09022015). Collection method: clinical testing. Allele origin: germline.
Comment: This sequence change replaces glycine, which is neutral and non-polar, with arginine, which is basic and polar, at codon 380 of the POLE protein (p.Gly380Arg). This variant is present in population databases (rs199746481, gnomAD 0.002%). This variant has not been reported in the literature in individuals affected with POLE-related conditions. ClinVar contains an entry for this variant (Variation ID: 473438). Advanced modeling of protein sequence and biophysical properties (such as structural, functional, and spatial information, amino acid conservation, physicochemical variation, residue mobility, and thermodynamic stability) has been performed at Invitae for this missense variant, however the output from this modeling did not meet the statistical confidence thresholds required to predict the impact of this variant on POLE protein function. In summary, the available evidence is currently insufficient to determine the role of this variant in disease. Therefore, it has been classified as a Variant of Uncertain Significance.

Clinical Genetics Laboratory, Skane University Hospital Lund
Classification: Uncertain significance. Last evaluated: 2022-05-27. Review status: criteria provided, single submitter. Criteria: ACMG Guidelines, 2015. Collection method: clinical testing. Allele origin: germline. Affected: yes.